The following is an entry in ClinVar:

ClinVar aggregate classification (germline): Uncertain significance. Review status: criteria provided, multiple submitters, no conflicts (2 of 4 stars). 3 submissions from 3 submitters: Uncertain significance (3). Last evaluated 2025-06-18.

Conditions:
Dopa-responsive dystonia due to sepiapterin reductase deficiency. Also called: SPR DEFICIENCY; Sepiapterin reductase deficiency; DYT-SPR. Identifiers: Orphanet 70594, MedGen C0268468, MONDO:0012994, OMIM 612716.
Inborn genetic diseases. Identifiers: MedGen C0950123, MeSH D030342.
Dystonic disorder. Also called: Dystonia. Identifiers: MedGen C0013421, MONDO:0003441, HP:0001332.

Allele frequency attached by ClinVar (database versions not stated): gnomAD 0.00001 and 0.00002; gnomAD exomes 0.00003; TOPMed 0.00003; ExAC 0.00007.

Submissions (3):

Ambry Genetics
Classification: Uncertain significance for Inborn genetic diseases. Last evaluated: 2025-06-18. Review status: criteria provided, single submitter. Criteria: Ambry Variant Classification Scheme 2023. Collection method: clinical testing. Allele origin: germline.

Labcorp Genetics (formerly Invitae), Labcorp
Classification: Uncertain significance for Dystonic disorder. Last evaluated: 2021-12-02. Review status: criteria provided, single submitter. Criteria: Invitae Variant Classification Sherloc (09022015). Collection method: clinical testing. Allele origin: germline.
Comment: This sequence change replaces alanine, which is neutral and non-polar, with valine, which is neutral and non-polar, at codon 8 of the SPR protein (p.Ala8Val). The frequency data for this variant in the population databases is considered unreliable, as metrics indicate poor data quality at this position in the gnomAD database. This variant has not been reported in the literature in individuals affected with SPR-related conditions. ClinVar contains an entry for this variant (Variation ID: 897672). Algorithms developed to predict the effect of missense changes on protein structure and function output the following: SIFT: "Tolerated"; PolyPhen-2: "Benign"; Align-GVGD: "Class C0". The valine amino acid residue is found in multiple mammalian species, which suggests that this missense change does not adversely affect protein function. In summary, the available evidence is currently insufficient to determine the role of this variant in disease. Therefore, it has been classified as a Variant of Uncertain Significance.

Illumina Laboratory Services, Illumina
Classification: Uncertain significance for Dopa-responsive dystonia due to sepiapterin reductase deficiency. Last evaluated: 2018-01-13. Review status: criteria provided, single submitter. Criteria: ICSL Variant Classification Criteria 13 December 2019. Collection method: clinical testing. Allele origin: germline.

NM_003124.5(SPR):c.23C>T (p.Ala8Val)

Genes: SPR (sepiapterin reductase; plus strand), LOC129934069 (ATAC-STARR-seq lymphoblastoid silent region 11626; plus strand). Cytogenetic location: 2p13.2.
Variant type: single nucleotide variant.
Coding change: c.23C>T on transcript NM_003124.5 (MANE Select); coding-DNA position 23, C replaced by T.
Protein change: p.Ala8Val; replaces alanine 8 with valine.
Molecular consequence: missense variant.
Genome position (GRCh38, 1-based): chr2:72,887,455, C>T. VCF-style: chr2-72887455-C-T. GRCh37 (hg19) VCF-style: chr2-73114584-C-T.
Other names: short protein forms A8V.
Identifiers: ClinVar variation 897672 (VCV000897672.6), dbSNP rs775850923, ClinGen allele CA1708896.